The following is an entry in ClinVar:

ClinVar aggregate classification (germline): Pathogenic/Likely pathogenic. Review status: criteria provided, multiple submitters, no conflicts (2 of 4 stars). 14 submissions from 14 submitters: Pathogenic (10); Likely pathogenic (2). 2 of the submissions do not count toward it. Last evaluated 2026-05-05.

Conditions:
CNGA3-related disorders.
CNGA3-related retinopathy. Identifiers: MedGen CN315672, MONDO:0800102.
CNGA3-related disorder. Also called: CNGA3-related condition.
Retinal dystrophy. Also called: Inherited retinal dystrophy. Identifiers: Orphanet 71862, MedGen C0854723, MeSH D058499, MONDO:0019118, HP:0000556.
Achromatopsia. Also called: Rod monochromatism. Identifiers: Orphanet 49382, MedGen C0152200, MONDO:0018852, HP:0011516.
Achromatopsia 2 (ACHM2). Also called: COLORBLINDNESS, TOTAL; ROD MONOCHROMACY 2; ROD MONOCHROMATISM 2. Identifiers: Orphanet 49382, MedGen C1857618, MONDO:0009003, OMIM 216900.
Achromatopsia 3 (ACHM3). Also called: ACHROMATOPSIA WITH MYOPIA; PINGELAPESE BLINDNESS; TOTAL COLORBLINDNESS WITH MYOPIA; ROD MONOCHROMACY 1; ROD MONOCHROMATISM 1. Identifiers: Orphanet 49382, MedGen C1849792, MONDO:0009875, OMIM 262300.

Allele frequency attached by ClinVar (database versions not stated): ExAC 0.00003; gnomAD 0.00003 and 0.00004; gnomAD exomes 0.00007; TOPMed 0.00008.

Submissions (14):

PreventionGenetics, part of Exact Sciences
Classification: Pathogenic for CNGA3-related condition. Last evaluated: 2026-05-05. Review status: criteria provided, single submitter. Criteria: ACMG Guidelines, 2015. Collection method: clinical testing. Allele origin: germline.
Comment: The CNGA3 c.1585G>A variant is predicted to result in the amino acid substitution p.Val529Met. This variant has been reported in the homozygous and compound heterozygous states in several individuals with cone rod dystrophy and achromatopsia (see for examples: Kohl et al. 1998. PubMed ID: 9662398; Huang et al. 2016. PubMed ID: 26992781: Table S1, Lin et al. 2024. PubMed ID: 38219857). This variant is present in 0.030% of alleles in individuals of East Asian descent in gnomAD. This variant is interpreted as pathogenic.

Labcorp Genetics (formerly Invitae), Labcorp
Classification: Pathogenic. Last evaluated: 2025-12-06. Review status: criteria provided, single submitter. Criteria: Invitae Variant Classification Sherloc (09022015). Collection method: clinical testing. Allele origin: germline.
Comment: This sequence change replaces valine, which is neutral and non-polar, with methionine, which is neutral and non-polar, at codon 529 of the CNGA3 protein (p.Val529Met). This variant is present in population databases (rs104893619, gnomAD 0.03%). This missense change has been observed in individual(s) with achromatopsia or inherited retinal dystrophy (PMID: 9662398, 15712225, 20549516, 24903488). In at least one individual the data is consistent with being in trans (on the opposite chromosome) from a pathogenic variant. It has also been observed to segregate with disease in related individuals. ClinVar contains an entry for this variant (Variation ID: 9480). Invitae Evidence Modeling of protein sequence and biophysical properties (such as structural, functional, and spatial information, amino acid conservation, physicochemical variation, residue mobility, and thermodynamic stability) indicates that this missense variant is expected to disrupt CNGA3 protein function with a positive predictive value of 95%. Experimental studies are conflicting or provide insufficient evidence to determine the effect of this variant on CNGA3 function (PMID: 17693388). For these reasons, this variant has been classified as Pathogenic.

Women's Health and Genetics/Laboratory Corporation of America, LabCorp
Classification: Pathogenic for Achromatopsia 2. Last evaluated: 2025-10-06. Review status: criteria provided, single submitter. Criteria: LabCorp Variant Classification Summary - May 2015. Collection method: clinical testing. Allele origin: germline.
Comment: Variant summary: CNGA3 c.1585G>A (p.Val529Met) results in a conservative amino acid change in the encoded protein sequence. Algorithms developed to predict the effect of missense changes on protein structure and function are either unavailable or do not agree on the potential impact of this missense change. The variant allele was found at a frequency of 6.8e-05 in 251096 control chromosomes. This frequency is not significantly higher than estimated for disease-causing variants in CNGA3, allowing no conclusion about variant significance. c.1585G>A has been observed in multiple individuals affected with Achromatopsia 2 and was reported as a founder mutation of Jewish-Muslim patients (example, Zelinger_2010). These data indicate that the variant is very likely to be associated with disease. At least one publication reports experimental evidence evaluating an impact on protein function. The most pronounced variant effect results in diminished cGMP-activated current (Muraki-Oda_2007). The following publications have been ascertained in the context of this evaluation (PMID: 17693388, 20852892). ClinVar contains an entry for this variant (Variation ID: 9480). Based on the evidence outlined above, the variant was classified as pathogenic.

GeneDx
Classification: Pathogenic. Last evaluated: 2025-05-15. Review status: criteria provided, single submitter. Criteria: GeneDx Variant Classification Process June 2021. Collection method: clinical testing. Allele origin: germline. Affected: yes.
Comment: Published functional studies suggest a damaging effect, however additional studies are needed to validate the functional effect of this variant in vivo (PMID: 17693388); In silico analysis supports that this missense variant has a deleterious effect on protein structure/function; This variant is associated with the following publications: (PMID: 31429209, 33749171, 26992781, 31456290, 31589614, 34426522, 9662398, 15712225, 20549516, 17693388, 38219857, 38347443, 37372476, 37558662, 34703197, 36645454, 34447932, 31964843, 24903488)

SingHealth Duke-NUS Institute of Precision Medicine
Classification: Likely pathogenic for Achromatopsia 3. Last evaluated: 2025-02-05. Review status: criteria provided, single submitter. Criteria: PRISM ACMG Classification Criteria. Collection method: clinical testing. Allele origin: germline. Affected: yes.
Comment: Variant is located in a mutational hotspot where >50% of variants are pathogenic (PM1). Homozygous allele count in gnomAD exomes and genomes are less than 0 (PM2).REVEL score is 0.947 (PP3_str)

3billion
Classification: Pathogenic for Achromatopsia 2. Last evaluated: 2024-11-11. Review status: criteria provided, single submitter. Criteria: ACMG Guidelines, 2015. Collection method: clinical testing. Allele origin: germline. Affected: yes.
Comment: The variant is observed at an extremely low frequency in the gnomAD v4.1.0 dataset (total allele frequency: 0.004%). Predicted Consequence/Location: Missense variant In silico tool predictions suggest damaging effect of the variant on gene or gene product [REVEL: 0.95 (>=0.6, sensitivity 0.68 and specificity 0.92); 3Cnet: 0.99 (>=0.6, sensitivity 0.72 and precision 0.9)]. The same nucleotide change resulting in the same amino acid change has been previously reported as pathogenic/likely pathogenic with strong evidence (ClinVar ID: VCV000009480 /PMID: 9662398 /3billion dataset). The variant has been reported to be in trans with a pathogenic variant as either compound heterozygous or homozygous in at least one similarly affected unrelated individual (PMID: 18521937). A different missense change at the same codon (p.Val529Leu) has been reported to be associated with CNGA3 related disorder (PMID: 37558662). Therefore, this variant is classified as Pathogenic according to the recommendation of ACMG/AMP guideline.

Blueprint Genetics
Classification: Pathogenic for CNGA3-related disorders. Last evaluated: 2024-09-19. Review status: criteria provided, single submitter. Criteria: ACMG Guidelines, 2015. Collection method: clinical testing. Allele origin: germline. Affected: yes. Observed: 5 variant alleles.

Fulgent Genetics
Classification: Likely pathogenic for Achromatopsia 2. Last evaluated: 2024-01-24. Review status: criteria provided, single submitter. Criteria: ACMG Guidelines, 2015. Collection method: clinical testing. Allele origin: germline.

Department of Pathology and Laboratory Medicine, Sinai Health System
Classification: Pathogenic for CNGA3-related retinopathy. Last evaluated: 2022-06-09. Review status: criteria provided, single submitter. Criteria: ACMG Guidelines, 2015. Collection method: research. Allele origin: germline.

Illumina Laboratory Services, Illumina
Classification: Pathogenic for Achromatopsia 2. Last evaluated: 2020-06-05. Review status: criteria provided, single submitter. Criteria: ICSLVariantClassificationCriteria RUGD 01 April 2020. Collection method: clinical testing. Allele origin: unknown.
Comment: The CNGA3 c.1585G>A (p.Val529Met) variant is a missense variant that has been reported in at least four studies, in which it was found in at least 14 unrelated individuals with achromatopsia, including nine in a homozygous state and five in a compound heterozygous state (Kohl et al. 1998; Wissinger et al. 2001; Nishiguchi et al. 2005; Zelinger et al. 2010). The p.Val529Met variant was absent from 190 controls but is reported at a frequency of 0.000301 in the East Asian population from the Genome Aggregation Database. In patch-clamp studies of HEK293 cells transfected with p.Val529Met variant cDNA, no cGMP-activated current was observed (Muraki-Oda et al. 2007). Based on the collective evidence and application of the ACMG criteria, the p.Val529Met variant is classified as pathogenic for achromatopsia.

Institute of Human Genetics, Univ. Regensburg, Univ. Regensburg
Classification: Pathogenic for Retinal dystrophy. Last evaluated: 2019-01-01. Review status: criteria provided, single submitter. Criteria: ACMG Guidelines, 2015. Collection method: clinical testing. Allele origin: germline. Affected: yes.

CeGaT Center for Human Genetics Tuebingen
Classification: Pathogenic. Last evaluated: 2016-10-01. Review status: criteria provided, single submitter. Criteria: CeGaT Center For Human Genetics Tuebingen Variant Classification Criteria Version 2. Collection method: clinical testing. Allele origin: germline. Affected: yes. Observed: 1 variant allele.

Sharon lab, Hadassah-Hebrew University Medical Center
Classification: Pathogenic for achromatopsia. Last evaluated: 2019-06-23. Review status: no assertion criteria provided. Collection method: research. Allele origin: inherited. Affected: yes. Not counted in ClinVar's aggregate classification.

OMIM
Classification: Pathogenic for ACHROMATOPSIA 2. Last evaluated: 2010-09-01. Review status: no assertion criteria provided. Collection method: literature only. Allele origin: germline. Not counted in ClinVar's aggregate classification.

Literature cited by the submitters: PubMed 9662398 (cited by 5 submitters); PubMed 15712225 (cited by Labcorp Genetics (formerly Invitae), Labcorp and Illumina Laboratory Services, Illumina); PubMed 20549516 (cited by 3 submitters); PubMed 24903488 (cited by Labcorp Genetics (formerly Invitae), Labcorp); PubMed 17693388 (cited by 4 submitters); PubMed 20852892 (cited by Women's Health and Genetics/Laboratory Corporation of America, LabCorp); PubMed 18521937 (cited by 3billion); PubMed 37558662 (cited by 3billion); PubMed 11536077 (cited by Illumina Laboratory Services, Illumina); PubMed 26992781 (cited by Institute of Human Genetics, Univ. Regensburg, Univ. Regensburg); PubMed 31589614 (cited by Institute of Human Genetics, Univ. Regensburg, Univ. Regensburg); PubMed 31964843 (cited by Institute of Human Genetics, Univ. Regensburg, Univ. Regensburg); PubMed 31429209 (cited by Institute of Human Genetics, Univ. Regensburg, Univ. Regensburg); PubMed 31456290 (cited by Institute of Human Genetics, Univ. Regensburg, Univ. Regensburg); PubMed 34426522 (cited by Institute of Human Genetics, Univ. Regensburg, Univ. Regensburg); PubMed 33749171 (cited by Institute of Human Genetics, Univ. Regensburg, Univ. Regensburg).

NM_001298.3(CNGA3):c.1585G>A (p.Val529Met)

Gene: CNGA3 (cyclic nucleotide gated channel subunit alpha 3; plus strand). Cytogenetic location: 2q11.2.
Variant type: single nucleotide variant.
Coding change: c.1585G>A on transcript NM_001298.3 (MANE Select); coding-DNA position 1585, G replaced by A.
Protein change: p.Val529Met; replaces valine 529 with methionine.
Molecular consequence: missense variant.
Genome position (GRCh38, 1-based): chr2:98,396,755, G>A. VCF-style: chr2-98396755-G-A. GRCh37 (hg19) VCF-style: chr2-99013218-G-A.
Other names: c.1531G>A, p.Val511Met (NM_001079878.2); short protein forms V529M, V511M.
Identifiers: ClinVar variation 9480 (VCV000009480.62), dbSNP rs104893619, ClinGen allele CA254826.